The following is an entry in ClinVar:

NM_006361.6(HOXB13):c.366C>T (p.Ser122=)

Gene: HOXB13 (homeobox B13; minus strand). Cytogenetic location: 17q21.32.
Variant type: single nucleotide variant.
Coding change: c.366C>T on transcript NM_006361.6 (MANE Select); coding-DNA position 366, C replaced by T.
Protein change: p.Ser122=; no amino-acid change (serine 122 retained).
Molecular consequence: synonymous variant.
Genome position (GRCh38, 1-based): chr17:48,728,228, G>A on the plus strand (C>T on the coding strand, the complement: HOXB13 is on the minus strand). VCF-style: chr17-48728228-G-A. GRCh37 (hg19) VCF-style: chr17-46805590-G-A.
Other names: p.Ser122=.
Identifiers: ClinVar variation 480873 (VCV000480873.21), dbSNP rs8556, ClinGen allele CA8633998.

ClinVar aggregate classification (germline): Benign/Likely benign. Review status: criteria provided, multiple submitters, no conflicts (2 of 4 stars). 9 submissions from 9 submitters: Benign (8); Likely benign (1). Last evaluated 2026-02-04.

Conditions:
Prostate cancer, hereditary, 9 (HPC9). Identifiers: Orphanet 1331, MedGen C1970250, MONDO:0012597, OMIM 610997.
Hereditary cancer-predisposing syndrome. Also called: Tumor predisposition; Hereditary Cancer Syndrome; Neoplastic Syndromes, Hereditary; Hereditary neoplastic syndrome. Identifiers: Orphanet 140162, MedGen C0027672, MeSH D009386, MONDO:0015356.

Allele frequency attached by ClinVar (database versions not stated): TOPMed 0.16864; 1000 Genomes Project 0.17552; ESP Exome Variant Server 0.17623; 1000 Genomes Project 30x 0.17739.
gnomAD v4.1: 223,449 of 1,614,052 alleles (14%); highest among the groups gnomAD compares: African/African-American, 27%; 17,306 homozygotes.

Submissions (9):

Labcorp Genetics (formerly Invitae), Labcorp
Classification: Benign. Last evaluated: 2026-02-04. Review status: criteria provided, single submitter. Criteria: Invitae Variant Classification Sherloc (09022015). Collection method: clinical testing. Allele origin: germline.

Blueprint Genetics
Classification: Likely benign. Last evaluated: 2024-11-28. Review status: criteria provided, single submitter. Criteria: ACMG Guidelines, 2015. Collection method: clinical testing. Allele origin: germline.

Myriad Genetics, Inc.
Classification: Benign for Prostate cancer, hereditary, 9. Last evaluated: 2024-10-29. Review status: criteria provided, single submitter. Criteria: Myriad Autosomal Dominant, Autosomal Recessive and X-Linked Classification Criteria (2023). Collection method: clinical testing. Allele origin: unknown.
Comment: This variant is considered benign. This variant is a silent/synonymous amino acid change and it is not expected to impact splicing.

KCCC/NGS Laboratory, Kuwait Cancer Control Center
Classification: Benign for Prostate cancer, hereditary, 9. Last evaluated: 2023-07-07. Review status: criteria provided, single submitter. Criteria: ACMG Guidelines, 2015. Collection method: clinical testing. Allele origin: germline. Affected: yes.

Mayo Clinic Laboratories, Mayo Clinic
Classification: Benign. Last evaluated: 2022-04-26. Review status: criteria provided, single submitter. Criteria: ACMG Guidelines, 2015. Collection method: clinical testing. Allele origin: germline. Observed: 111 variant alleles.

Women's Health and Genetics/Laboratory Corporation of America, LabCorp
Classification: Benign. Last evaluated: 2021-07-08. Review status: criteria provided, single submitter. Criteria: LabCorp Variant Classification Summary - May 2015. Collection method: clinical testing. Allele origin: germline.

Ambry Genetics
Classification: Benign for Hereditary cancer-predisposing syndrome. Last evaluated: 2016-07-22. Review status: criteria provided, single submitter. Criteria: Ambry Variant Classification Scheme 2023. Collection method: clinical testing. Allele origin: germline.

GeneDx
Classification: Benign. Last evaluated: 2015-03-03. Review status: criteria provided, single submitter. Criteria: GeneDx Variant Classification Process June 2021. Collection method: clinical testing. Allele origin: germline. Affected: yes.

Breakthrough Genomics
Classification: Benign. Review status: criteria provided, single submitter. Criteria: ACMG Guidelines, 2015. Collection method: not provided. Allele origin: germline. Inheritance: Unknown mechanism. Affected: yes.